The following is an entry in ClinVar:

ClinVar aggregate classification (germline): Uncertain significance (1 of 4 stars; one submission).

Allele frequency attached by ClinVar (database versions not stated): gnomAD exomes 0.00001 and 0.00002; TOPMed 0.00006; gnomAD 0.00007.

Submission:

Labcorp Genetics (formerly Invitae), Labcorp
Classification: Uncertain significance. Last evaluated: 2022-09-27. Review status: criteria provided, single submitter. Criteria: Invitae Variant Classification Sherloc (09022015). Collection method: clinical testing. Allele origin: germline.
Comment: ClinVar contains an entry for this variant (Variation ID: 1515214). This variant has not been reported in the literature in individuals affected with CEP78-related conditions. This variant is present in population databases (no rsID available, gnomAD 0.007%). This sequence change replaces valine, which is neutral and non-polar, with isoleucine, which is neutral and non-polar, at codon 365 of the CEP78 protein (p.Val365Ile). Advanced modeling of protein sequence and biophysical properties (such as structural, functional, and spatial information, amino acid conservation, physicochemical variation, residue mobility, and thermodynamic stability) performed at Invitae indicates that this missense variant is not expected to disrupt CEP78 protein function. In summary, the available evidence is currently insufficient to determine the role of this variant in disease. Therefore, it has been classified as a Variant of Uncertain Significance.

NM_001330691.3(CEP78):c.1090G>A (p.Val364Ile)

Gene: CEP78 (centrosomal protein 78; plus strand). Cytogenetic location: 9q21.2.
Variant type: single nucleotide variant.
Coding change: c.1090G>A on transcript NM_001330691.3 (MANE Select); coding-DNA position 1090, G replaced by A.
Protein change: p.Val364Ile; replaces valine 364 with isoleucine.
Molecular consequence: missense variant.
Genome position (GRCh38, 1-based): chr9:78,251,928, G>A. VCF-style: chr9-78251928-G-A. GRCh37 (hg19) VCF-style: chr9-80866844-G-A.
Other names: c.1093G>A, p.Val365Ile (NM_001098802.3, NM_001349839.2, NM_001349840.2 and 1 more transcripts); c.1090G>A, p.Val364Ile (NM_001330693.3, NM_001330694.2, NM_001349838.2); short protein forms V364I, V365I.
Identifiers: ClinVar variation 1515214 (VCV001515214.4), dbSNP rs895154377, ClinGen allele CA194403836.